The following is an entry in ClinVar:

ClinVar aggregate classification (germline): Likely benign. Review status: criteria provided, multiple submitters, no conflicts (2 of 4 stars). 2 submissions from 2 submitters: Likely benign (2). Last evaluated 2025-06-01.

Allele frequency attached by ClinVar (database versions not stated): ExAC 0.00009; gnomAD 0.00009.
gnomAD v4.1: 147 of 1,613,716 alleles (0.0091%); highest among the groups gnomAD compares: Middle Eastern, 0.22%; no homozygotes.

Submissions (2):

CeGaT Center for Human Genetics Tuebingen
Classification: Likely benign. Last evaluated: 2025-06-01. Review status: criteria provided, single submitter. Criteria: CeGaT Center For Human Genetics Tuebingen Variant Classification Criteria Version 2. Collection method: clinical testing. Allele origin: germline. Affected: yes. Observed: 6 variant alleles.
Comment: HERC2: BP4, BP7

Blueprint Genetics
Classification: Likely benign. Last evaluated: 2023-10-18. Review status: criteria provided, single submitter. Criteria: ACMG Guidelines, 2015. Collection method: clinical testing. Allele origin: germline.

NM_004667.6(HERC2):c.8868G>A (p.Thr2956=)

Gene: HERC2 (HECT and RLD domain containing E3 ubiquitin protein ligase 2; minus strand). Cytogenetic location: 15q13.1.
Variant type: single nucleotide variant.
Coding change: c.8868G>A on transcript NM_004667.6 (MANE Select); coding-DNA position 8868, G replaced by A.
Protein change: p.Thr2956=; no amino-acid change (threonine 2956 retained).
Molecular consequence: synonymous variant.
Genome position (GRCh38, 1-based): chr15:28,182,470, C>T on the plus strand (G>A on the coding strand, the complement: HERC2 is on the minus strand). VCF-style: chr15-28182470-C-T. GRCh37 (hg19) VCF-style: chr15-28427616-C-T.
Identifiers: ClinVar variation 2645057 (VCV002645057.25), dbSNP rs774694425, ClinGen allele CA7441349.
Genomic context (GRCh38, chr15:28,182,470, plus strand): 5'-TTTCAGCCCGCCCAGCTGGTCCTTGTCATTCAGGCCCCACACAAACACCTTGGTTCTTAT[C>T]GTAGCTGCTGATTCCAGCCCAGCAGCCTTCTTTCTAATGAGGCTAACCAAACGGAAAAAA-3'
Protein context (NP_004658.3, residues 2946-2966): KKAAGLESAA[Thr2956=]IRTKVFVWGL